The following is an entry in ClinVar:

NM_000059.4(BRCA2):c.8915T>A (p.Leu2972Ter)

Gene: BRCA2 (BRCA2 DNA repair associated; plus strand). Cytogenetic location: 13q13.1.
Variant type: single nucleotide variant.
Coding change: c.8915T>A on transcript NM_000059.4 (MANE Select); coding-DNA position 8915, T replaced by A.
Protein change: p.Leu2972Ter; replaces leucine 2972 with a stop codon.
Molecular consequence: nonsense.
Genome position (GRCh38, 1-based): chr13:32,379,477, T>A. VCF-style: chr13-32379477-T-A. GRCh37 (hg19) VCF-style: chr13-32953614-T-A.
Other names: 9143T>A; short protein forms L2972*.
Identifiers: ClinVar variation 267115 (VCV000267115.10), dbSNP rs80359142, ClinGen allele CA10589524.

ClinVar aggregate classification (germline): Pathogenic. Review status: reviewed by expert panel (3 of 4 stars). 5 submissions from 5 submitters: Pathogenic (1). 4 of the submissions do not count toward it. Last evaluated 2016-10-18.

Conditions:
Breast-ovarian cancer, familial, susceptibility to, 2 (BROVCA2). Also called: BRCA2 Hereditary Breast and Ovarian Cancer. Identifiers: Orphanet 145, MedGen C2675520, MONDO:0012933, OMIM 612555. Disease mechanism: loss of function.
Hereditary breast ovarian cancer syndrome. Also called: BRCA1- and BRCA2-Associated Hereditary Breast and Ovarian Cancer; Hereditary breast and ovarian cancer; Breast and ovarian cancer; Hereditary breast and/or ovarian cancer syndrome; Hereditary breast and ovarian cancer syndrome; Hereditary breast and ovarian cancer syndrome (HBOC). Identifiers: Orphanet 145, MedGen C0677776, MeSH D061325, MONDO:0003582. Disease mechanism: loss of function.

Submissions (5):

Evidence-based Network for the Interpretation of Germline Mutant Alleles (ENIGMA)
Classification: Pathogenic for Breast-ovarian cancer, familial, susceptibility to, 2. Last evaluated: 2016-10-18. Review status: reviewed by expert panel. Criteria: ENIGMA BRCA1/2 Classification Criteria (2015). Collection method: curation. Allele origin: germline.
Comment: Variant allele predicted to encode a truncated non-functional protein.

Labcorp Genetics (formerly Invitae), Labcorp
Classification: Pathogenic for Hereditary breast ovarian cancer syndrome. Last evaluated: 2022-04-30. Review status: criteria provided, single submitter. Criteria: Invitae Variant Classification Sherloc (09022015). Collection method: clinical testing. Allele origin: germline. Not counted in ClinVar's aggregate classification.
Comment: For these reasons, this variant has been classified as Pathogenic. ClinVar contains an entry for this variant (Variation ID: 267115). This variant has not been reported in the literature in individuals affected with BRCA2-related conditions. This variant is not present in population databases (gnomAD no frequency). This sequence change creates a premature translational stop signal (p.Leu2972*) in the BRCA2 gene. It is expected to result in an absent or disrupted protein product. Loss-of-function variants in BRCA2 are known to be pathogenic (PMID: 20104584).

Human Genome Sequencing Center Clinical Lab, Baylor College of Medicine
Classification: Pathogenic for Familial breast-ovarian cancer 2. Last evaluated: 2019-02-28. Review status: criteria provided, single submitter. Criteria: ACMG Guidelines, 2015. Collection method: clinical testing. Allele origin: germline. Not counted in ClinVar's aggregate classification.
Comment: The c.8915T>A (p.Leu2972*) variant in the BRCA2 gene is predicted to introduce a premature translation termination codon, which is predicted to result in nonsense-mediated mRNA decay. This variant is absent from large databases of genetic variation in the general population. Therefore, the c.8915T>A (p.Leu2972*) variant in the BRCA2 gene is classified as pathogenic.

Consortium of Investigators of Modifiers of BRCA1/2 (CIMBA), c/o University of Cambridge
Classification: Pathogenic for Breast-ovarian cancer, familial, susceptibility to, 2. Last evaluated: 2015-10-02. Review status: criteria provided, single submitter. Criteria: CIMBA Mutation Classification guidelines May 2016. Collection method: clinical testing. Allele origin: germline. Not counted in ClinVar's aggregate classification.

GeneDx
Classification: Pathogenic. Last evaluated: 2015-04-22. Review status: criteria provided, single submitter. Criteria: GeneDx Variant Classification (06012015). Collection method: clinical testing. Allele origin: germline. Affected: yes. Not counted in ClinVar's aggregate classification.
Comment: This pathogenic variant is denoted BRCA2 c.8915T>A at the cDNA level and p.Leu2972Ter (L2972X) at the protein level. The substitution, also known as 9143T>A, creates a nonsense variant, which changes a Leucine to a premature stop codon (TTG>TAG), and is predicted to cause loss of normal protein function through either protein truncation or nonsense-mediated mRNA decay. Although this variant has not, to our knowledge, been reported in the literature, it is considered pathogenic.

Literature cited by the submitters: PubMed 20104584 (cited by Labcorp Genetics (formerly Invitae), Labcorp).